The following is an entry in ClinVar:

NM_152703.5(SAMD9L):c.4435G>C (p.Gly1479Arg)

Gene: SAMD9L (sterile alpha motif domain containing 9 like; minus strand). Cytogenetic location: 7q21.2.
Variant type: single nucleotide variant.
Coding change: c.4435G>C on transcript NM_152703.5 (MANE Select); coding-DNA position 4435, G replaced by C.
Protein change: p.Gly1479Arg; replaces glycine 1479 with arginine.
Molecular consequence: missense variant.
Genome position (GRCh38, 1-based): chr7:93,131,537, C>G on the plus strand (G>C on the coding strand, the complement: SAMD9L is on the minus strand). VCF-style: chr7-93131537-C-G. GRCh37 (hg19) VCF-style: chr7-92760850-C-G.
Other names: c.4435G>C, p.Gly1479Arg (NM_001303496.3, NM_001303497.3, NM_001303498.3 and 5 more transcripts); short protein forms G1479R.
Identifiers: ClinVar variation 3949827 (VCV003949827.1).

ClinVar aggregate classification (germline): Uncertain significance (1 of 4 stars; one submission).

Conditions:
Inborn genetic diseases. Identifiers: MedGen C0950123, MeSH D030342.

gnomAD v4.1: 3 of 1,613,894 alleles (0.00019%); highest among the groups gnomAD compares: Non-Finnish European, 0.00025%; no homozygotes.

Submission:

Ambry Genetics
Classification: Uncertain significance for Inborn genetic diseases. Last evaluated: 2025-04-11. Review status: criteria provided, single submitter. Criteria: Ambry Variant Classification Scheme 2023. Collection method: clinical testing. Allele origin: germline.
Comment: The p.G1479R variant (also known as c.4435G>C), located in coding exon 1 of the SAMD9L gene, results from a G to C substitution at nucleotide position 4435. The glycine at codon 1479 is replaced by arginine, an amino acid with dissimilar properties. This amino acid position is conserved. In addition, the in silico prediction for this alteration is inconclusive. Based on the available evidence, the clinical significance of this variant remains unclear.